The following is an entry in ClinVar:

ClinVar aggregate classification (germline): Pathogenic (1 of 4 stars; one submission).

Conditions:
Zellweger spectrum disorders (ZS). Also called: Zellweger syndrome; Zellweger Spectrum Disorder (ZSD); Zellweger Spectrum Disorder; Zellweger Spectrum. Identifiers: Orphanet 912, MedGen C0043459, MONDO:0019609.

Submission:

Labcorp Genetics (formerly Invitae), Labcorp
Classification: Pathogenic for Zellweger spectrum disorders. Last evaluated: 2019-11-16. Review status: criteria provided, single submitter. Criteria: Invitae Variant Classification Sherloc (09022015). Collection method: clinical testing. Allele origin: germline.
Comment: Loss-of-function variants in PEX1 are known to be pathogenic (PMID: 9398847, 16086329, 16141001, 21031596). This sequence change creates a premature translational stop signal (p.Cys1002Metfs*8) in the PEX1 gene. It is expected to result in an absent or disrupted protein product. This variant is not present in population databases (ExAC no frequency). This variant has not been reported in the literature in individuals with PEX1-related conditions. For these reasons, this variant has been classified as Pathogenic.

Literature cited by the submitters: PubMed 9398847; PubMed 16086329; PubMed 16141001; PubMed 21031596.

NM_000466.3(PEX1):c.3003dup (p.Cys1002fs)

Genes: GATAD1 (GATA zinc finger domain containing 1; plus strand), PEX1 (peroxisomal biogenesis factor 1; minus strand). Cytogenetic location: 7q21.2.
Variant type: Duplication.
Coding change: c.3003dup on transcript NM_000466.3 (MANE Select); coding-DNA position 3003, one base duplicated (A; older notation c.3003dupA).
Protein change: p.Cys1002fs; shifts the reading frame from cysteine 1002.
Molecular consequence: frameshift variant.
Genome position (GRCh38, 1-based): chr7:92,494,320, T duplicated on the plus strand (A on the coding strand, the reverse complement: PEX1 is on the minus strand); the first of 3 consecutive T bases (chr7:92,494,320-92,494,322); duplicating any one gives the same sequence. VCF-style (leftmost placement, unchanged base first): chr7-92494319-A-AT. GRCh37 (hg19) VCF-style: chr7-92123633-A-AT.
Other names: c.2832dup, p.Cys945fs (NM_001282677.2); c.2379dup, p.Cys794fs (NM_001282678.2); short protein forms C945fs, C1002fs, C794fs.
Identifiers: ClinVar variation 970709 (VCV000970709.7), dbSNP rs1562847911, ClinGen allele CA918073926.
Genomic context (GRCh38, chr7:92,494,319, plus strand): 5'-GTTGGGTTTTGGACTCTAAATATGAAATTGTCACCTGATCAGGAGGAGGACAGTATACAC[A>AT]TTTATCTAGTCGACCAGGCCTAAGCAGGGCAGGGTCAATCAAGTCAGGGCGACTAGTAGC-3'